The following is an entry in ClinVar:

ClinVar aggregate classification (germline): Uncertain significance (1 of 4 stars; one submission).

Submission:

GeneDx
Classification: Uncertain significance. Last evaluated: 2025-01-27. Review status: criteria provided, single submitter. Criteria: GeneDx Variant Classification Process June 2021. Collection method: clinical testing. Allele origin: germline. Affected: yes.
Comment: Not observed at significant frequency in large population cohorts (gnomAD); In silico analysis indicates that this missense variant does not alter protein structure/function; Has not been previously published as pathogenic or benign to our knowledge

NM_004187.5(KDM5C):c.3067A>C (p.Lys1023Gln)

Gene: KDM5C (lysine demethylase 5C; minus strand). Cytogenetic location: Xp11.22.
Variant type: single nucleotide variant.
Coding change: c.3067A>C on transcript NM_004187.5 (MANE Select); coding-DNA position 3067, A replaced by C.
Protein change: p.Lys1023Gln; replaces lysine 1023 with glutamine.
Molecular consequence: missense variant. On other transcripts: non-coding transcript variant (3).
Genome position (GRCh38, 1-based): chrX:53,195,969, T>G on the plus strand (A>C on the coding strand, the complement: KDM5C is on the minus strand). VCF-style: chrX-53195969-T-G. GRCh37 (hg19) VCF-style: chrX-53225151-T-G.
Other names: c.2866A>C, p.Lys956Gln (NM_001146702.2); c.3064A>C, p.Lys1022Gln (NM_001282622.3, NM_001353979.2, NM_001353982.2); c.3067A>C, p.Lys1023Gln (NM_001353978.3, NM_001353981.2, NM_001353984.2); short protein forms K1022Q, K1023Q, K956Q.
Identifiers: ClinVar variation 4071575 (VCV004071575.1).